The following is an entry in ClinVar:

NM_001048174.2(MUTYH):c.913+3G>A

Gene: MUTYH (mutY DNA glycosylase; minus strand). Cytogenetic location: 1p34.1.
Variant type: single nucleotide variant.
Coding change: c.913+3G>A on transcript NM_001048174.2 (MANE Select); 3 bases into the intron after coding-DNA position 913, G replaced by A.
Molecular consequence: intron variant.
Genome position (GRCh38, 1-based): chr1:45,332,020, C>T on the plus strand (G>A on the coding strand, the complement: MUTYH is on the minus strand). VCF-style: chr1-45332020-C-T. GRCh37 (hg19) VCF-style: chr1-45797692-C-T.
Other names: c.568+3G>A (NM_001350651.2, NM_001350650.2); c.637+3G>A (NM_001293192.2, NM_001293196.2); c.913+3G>A (NM_001048171.2, NM_001048173.2, NM_001293195.2); c.958+3G>A (NM_001293190.2); c.988+3G>A (NM_012222.3); c.997+3G>A (NM_001128425.2); c.916+3G>A (NM_001048172.2); c.946+3G>A (NM_001293191.2).
Identifiers: ClinVar variation 220137 (VCV000220137.17), dbSNP rs864622394, ClinGen allele CA350688.

ClinVar aggregate classification (germline): Conflicting classifications of pathogenicity. Review status: criteria provided, conflicting classifications (1 of 4 stars). 4 submissions from 4 submitters: Uncertain significance (1); Likely benign (3). Last evaluated 2025-04-23.

Conditions:
Hereditary cancer-predisposing syndrome. Also called: Tumor predisposition; Hereditary Cancer Syndrome; Neoplastic Syndromes, Hereditary; Hereditary neoplastic syndrome. Identifiers: Orphanet 140162, MedGen C0027672, MeSH D009386, MONDO:0015356.
Familial adenomatous polyposis 2. Also called: MYH-associated polyposis; FAP type 2; ADENOMAS, MULTIPLE COLORECTAL, AUTOSOMAL RECESSIVE; MUTYH Polyposis; MUTYH-associated polyposis; MUTYH-related attenuated familial adenomatous polyposis. Identifiers: Orphanet 220460, Orphanet 247798, MedGen C3272841, MONDO:0012041, OMIM 608456.

Allele frequency attached by ClinVar (database versions not stated): gnomAD exomes below 0.00001 and 0.00001; TOPMed below 0.00001; gnomAD 0.00001.
gnomAD v4.1: 2 of 1,614,084 alleles (0.00012%); highest among the groups gnomAD compares: South Asian, 0.0022%; no homozygotes.

Submissions (4):

Labcorp Genetics (formerly Invitae), Labcorp
Classification: Likely benign for Familial adenomatous polyposis 2. Last evaluated: 2025-04-23. Review status: criteria provided, single submitter. Criteria: Invitae Variant Classification Sherloc (09022015). Collection method: clinical testing. Allele origin: germline.

Quest Diagnostics Nichols Institute San Juan Capistrano
Classification: Uncertain significance. Last evaluated: 2023-05-09. Review status: criteria provided, single submitter. Criteria: Quest Diagnostics criteria. Collection method: clinical testing. Allele origin: unknown.
Comment: To the best of our knowledge, the variant has not been reported in individuals with MUTYH-related conditions in the published literature. The frequency of this variant in the general population, 0.000008 (2/251414 chromosomes), is uninformative in assessment of its pathogenicity. Analysis of this variant using software algorithms for the prediction of the effect of nucleotide changes on splicing yielded predictions that this variant does not affect MUTYH mRNA splicing . Based on the available information, we are unable to determine the clinical significance of this variant.

Ambry Genetics
Classification: Likely benign for Hereditary cancer-predisposing syndrome. Last evaluated: 2021-02-17. Review status: criteria provided, single submitter. Criteria: Ambry Variant Classification Scheme 2023. Collection method: clinical testing. Allele origin: germline.

Color Diagnostics, LLC DBA Color Health
Classification: Likely benign for Hereditary cancer-predisposing syndrome. Last evaluated: 2017-02-21. Review status: criteria provided, single submitter. Criteria: ACMG Guidelines, 2015. Collection method: clinical testing. Allele origin: germline.